The following is an entry in ClinVar:

ClinVar aggregate classification (germline): Likely pathogenic (1 of 4 stars; one submission).

Conditions:
LAMA2-related muscular dystrophy (LAMA2-RD). Also called: Laminin alpha 2-related dystrophy. Identifiers: MedGen C5679788, MONDO:0100228.

Submission:

Myriad Genetics, Inc.
Classification: Likely pathogenic for LAMA2-related muscular dystrophy. Last evaluated: 2022-03-30. Review status: criteria provided, single submitter. Criteria: Myriad Autosomal Dominant, Autosomal Recessive and X-Linked Classification Criteria (2023). Collection method: clinical testing. Allele origin: unknown.
Comment: NM_000426.3(LAMA2):c.8781delC(S2928Afs*37) is expected to be pathogenic in the context of muscular dystrophy, LAMA2-related. This variant is predicted to lead to an abnormal or absent protein product due to the creation of a premature termination codon in LAMA2, a gene where loss-of-function variants are known to be pathogenic. Please note: this variant was assessed in the context of healthy population screening.

NM_000426.4(LAMA2):c.8781del (p.Ser2928fs)

Gene: LAMA2 (laminin subunit alpha 2; plus strand). Cytogenetic location: 6q22.33.
Variant type: Deletion.
Coding change: c.8781del on transcript NM_000426.4 (MANE Select); coding-DNA position 8781, one base deleted (C; older notation c.8781delC).
Protein change: p.Ser2928fs; shifts the reading frame from serine 2928.
Molecular consequence: frameshift variant.
Genome position (GRCh38, 1-based): chr6:129,507,566, C deleted; the last of 2 consecutive C bases (chr6:129,507,565-129,507,566); deleting either gives the same sequence. VCF-style (leftmost placement, unchanged base first): chr6-129507564-TC-T. GRCh37 (hg19) VCF-style: chr6-129828709-TC-T.
Other names: c.8769del, p.Ser2924fs (NM_001079823.2); short protein forms S2924fs, S2928fs.
Identifiers: ClinVar variation 1725608 (VCV001725608.3), dbSNP rs2533563070, ClinGen allele CA2580075020.